The following is an entry in ClinVar:

ClinVar aggregate classification (germline): Pathogenic/Likely pathogenic. Review status: criteria provided, multiple submitters, no conflicts (2 of 4 stars). 9 submissions from 9 submitters: Pathogenic (6); Likely pathogenic (2). 1 of the submissions does not count toward it. Last evaluated 2026-08-06.

Conditions:
NSD1-related disorder. Also called: NSD1-related condition.
Sotos syndrome (SOTOS). Also called: Sotos' syndrome; CHROMOSOME 5q35 DELETION SYNDROME; CEREBRAL GIGANTISM; SOTOS SYNDROME 1; Distinctive facial appearance, overgrowth in childhood, and learning disabilities or delayed development. Identifiers: Orphanet 821, MedGen C0175695, MONDO:0019349, OMIM 117550.
Inborn genetic diseases. Identifiers: MedGen C0950123, MeSH D030342.

Submissions (9):

Ambry Genetics
Classification: Pathogenic for Inborn genetic diseases. Last evaluated: 2026-08-06. Review status: criteria provided, single submitter. Criteria: Ambry Variant Classification Scheme 2023. Collection method: clinical testing. Allele origin: germline.
Comment: The c.5854C>T (p.R1952W) alteration is located in exon 18 (coding exon 17) of the NSD1 gene. This alteration results from a C to T substitution at nucleotide position 5854, causing the arginine (R) at amino acid position 1952 to be replaced by a tryptophan (W). This variant was not reported in population-based cohorts in the Genome Aggregation Database (gnomAD). This variant was reported in individual(s) with features consistent with Sotos syndrome; in at least one individual, it was determined to be de novo (Tatton-Brown, 2005; Saugier-Veber, 2007; Pohjola, 2012; Fortin, 2021; external communication). This amino acid position is highly conserved in available vertebrate species. This missense variant is located in a region that has a low rate of benign missense variation (Lek, 2016; Firth, 2009). In an assay testing NSD1 function, this variant showed a functionally abnormal result (Qiao, 2011). This alteration is predicted to be deleterious by in silico analysis. Based on the available evidence, this alteration is classified as pathogenic.

CeGaT Center for Human Genetics Tuebingen
Classification: Likely pathogenic. Last evaluated: 2026-04-01. Review status: criteria provided, single submitter. Criteria: CeGaT Center For Human Genetics Tuebingen Variant Classification Criteria Version 2. Collection method: clinical testing. Allele origin: germline. Affected: yes. Observed: 1 variant allele.
Comment: NSD1: PM1, PM2, PS4:Moderate, PP2, PP3

Labcorp Genetics (formerly Invitae), Labcorp
Classification: Pathogenic. Last evaluated: 2024-02-08. Review status: criteria provided, single submitter. Criteria: Invitae Variant Classification Sherloc (09022015). Collection method: clinical testing. Allele origin: germline.
Comment: This sequence change replaces arginine, which is basic and polar, with tryptophan, which is neutral and slightly polar, at codon 1952 of the NSD1 protein (p.Arg1952Trp). This variant is not present in population databases (gnomAD no frequency). This missense change has been observed in individual(s) with clinical features of Sotos syndrome (PMID: 15942875, 17565729, 22924495, 34033256). In at least one individual the variant was observed to be de novo. ClinVar contains an entry for this variant (Variation ID: 279858). Advanced modeling of protein sequence and biophysical properties (such as structural, functional, and spatial information, amino acid conservation, physicochemical variation, residue mobility, and thermodynamic stability) performed at Invitae indicates that this missense variant is expected to disrupt NSD1 protein function with a positive predictive value of 95%. Experimental studies have shown that this missense change affects NSD1 function (PMID: 21196496, 24412544). For these reasons, this variant has been classified as Pathogenic.

Illumina Laboratory Services, Illumina
Classification: Pathogenic for Sotos syndrome. Last evaluated: 2023-11-08. Review status: criteria provided, single submitter. Criteria: ICSLVariantClassificationCriteria RUGD 01 April 2020. Collection method: clinical testing. Allele origin: unknown.
Comment: The NSD1 c.5854C>T p.(Arg1952Trp) missense variant has been identified in at least five unrelated individuals with a phenotype consistent with Sotos syndrome, including in a de novo state in one individual (PMID:15942875; 17565729; 34033256). This variant has also been shown to segregate with disease in one family (PMID:17565729). The p.(Arg1952Trp) variant is not observed in version 2.1.1 or version 3.1.2 of the Genome Aggregation Database. In vitro functional studies using recombinant protein demonstrated that this variant impairs NSD1 enzyme activity (PMID: 21196496; 24412544). Multiple lines of computational evidence suggest the variant may impact the gene or gene product. Based on the available evidence, the c.5854C>T p.(Arg1952Trp) variant is classified as pathogenic for Sotos syndrome.

Genome-Nilou Lab
Classification: Likely pathogenic for Sotos syndrome. Last evaluated: 2021-07-15. Review status: criteria provided, single submitter. Criteria: ACMG Guidelines, 2015. Collection method: clinical testing. Allele origin: germline. Affected: no.

Center for Human Genetics, Inc
Classification: Pathogenic. Last evaluated: 2016-11-01. Review status: criteria provided, single submitter. Criteria: ACMG Guidelines, 2015. Collection method: clinical testing. Allele origin: germline. Affected: yes.

GeneDx
Classification: Pathogenic. Last evaluated: 2016-03-15. Review status: criteria provided, single submitter. Criteria: GeneDx Variant Classification (06012015). Collection method: clinical testing. Allele origin: germline. Affected: yes.
Comment: The R1952W pathogenic variant in the NSD1 gene has been reported previously in association with Sotos syndrome(Tatton-Brown et al., 2005; Saugier-Veber et al., 2007). Functional studies indicate that R1952W impairs the histonelysine methyltransferase activity of the NSD1 enzyme (Qiao et al., 2011). R1952W was not observed inapproximately 6,500 individuals of European and African American ancestry in the NHLBI Exome SequencingProject, indicating it is not a common benign variant in these populations. This substitution occurs at a highlyconserved position that is predicted to be within the SET domain of the NSD1 protein. In silico analysis predicts thisvariant is probably damaging to the protein structure/function.

Juno Genomics, Hangzhou Juno Genomics, Inc
Classification: Pathogenic for Sotos syndrome. Review status: criteria provided, single submitter. Criteria: ACMG Guidelines, 2015. Collection method: clinical testing. Allele origin: germline. Affected: yes.
Comment: Absent from controls (or at extremely low frequency if recessive) in Genome Aggregation Database.;Well-established in vitro or in vivo functional studies supportive of a damaging effect on the gene or gene product.;Missense variant in a gene that has a low rate of benign missense variation.;The prevalence of the variant in affected individuals is significantly increased compared to the prevalence in controls.;Assumed de novo, but without confirmation of paternity and maternity.

PreventionGenetics, part of Exact Sciences
Classification: Likely pathogenic for NSD1-related condition. Last evaluated: 2023-11-21. Review status: no assertion criteria provided. Collection method: clinical testing. Allele origin: germline. Not counted in ClinVar's aggregate classification.
Comment: The NSD1 c.5854C>T variant is predicted to result in the amino acid substitution p.Arg1952Trp. This variant has been reported in several individuals with suspected Sotos syndrome; in at least one individual, this variant was found to be de novo (Tatton-Brown et al. 2005. PubMed ID: 15942875; Fortin et al. 2021. PubMed ID: 34033256; Pohjola et al. 2012. PubMed ID: 22924495). This variant has not been reported in a large population database, indicating this variant is rare. This variant is interpreted as likely pathogenic.

Literature cited by the submitters: PubMed 15942875 (cited by 3 submitters); PubMed 17565729 (cited by 3 submitters); PubMed 21196496 (cited by 3 submitters); PubMed 22924495 (cited by Ambry Genetics and Labcorp Genetics (formerly Invitae), Labcorp); PubMed 34033256 (cited by 3 submitters); PubMed 24412544 (cited by Labcorp Genetics (formerly Invitae), Labcorp and Illumina Laboratory Services, Illumina).

NM_022455.5(NSD1):c.5854C>T (p.Arg1952Trp)

Gene: NSD1 (nuclear receptor binding SET domain protein 1; plus strand). Cytogenetic location: 5q35.3.
Variant type: single nucleotide variant.
Coding change: c.5854C>T on transcript NM_022455.5 (MANE Select); coding-DNA position 5854, C replaced by T.
Protein change: p.Arg1952Trp; replaces arginine 1952 with tryptophan.
Molecular consequence: missense variant.
Genome position (GRCh38, 1-based): chr5:177,280,796, C>T. VCF-style: chr5-177280796-C-T. GRCh37 (hg19) VCF-style: chr5-176707797-C-T.
Other names: c.4981C>T, p.Arg1661Trp (NM_001365684.2, NM_001409308.1, NM_001409309.1 and 1 more transcripts); c.5854C>T, p.Arg1952Trp (NM_001409301.1, NM_001409302.1, NM_001409303.1); c.5434C>T, p.Arg1812Trp (NM_001409304.1); c.5101C>T, p.Arg1701Trp (NM_001409305.1); c.5092C>T, p.Arg1698Trp (NM_001409306.1, NM_001409307.1); short protein forms R1952W, R1683W, R1812W, R1701W, R1661W, R1698W.
Identifiers: ClinVar variation 279858 (VCV000279858.21), dbSNP rs886041219, ClinGen allele CA10602921.